The following is an entry in ClinVar:

ClinVar aggregate classification (germline): Uncertain significance. Review status: criteria provided, multiple submitters, no conflicts (2 of 4 stars). 2 submissions from 2 submitters: Uncertain significance (2). Last evaluated 2024-02-13.

Conditions:
Inborn genetic diseases. Identifiers: MedGen C0950123, MeSH D030342.

Allele frequency attached by ClinVar (database versions not stated): gnomAD exomes 0.00001 and 0.00004; gnomAD 0.00002 and 0.00003; TOPMed 0.00002.
gnomAD v4.1: 67 of 1,536,794 alleles (0.0044%); highest among the groups gnomAD compares: East Asian, 0.015%; no homozygotes.

Submissions (2):

Ambry Genetics
Classification: Uncertain significance for Inborn genetic diseases. Last evaluated: 2024-02-13. Review status: criteria provided, single submitter. Criteria: Ambry Variant Classification Scheme 2023. Collection method: clinical testing. Allele origin: germline.

Labcorp Genetics (formerly Invitae), Labcorp
Classification: Uncertain significance. Last evaluated: 2023-10-04. Review status: criteria provided, single submitter. Criteria: Invitae Variant Classification Sherloc (09022015). Collection method: clinical testing. Allele origin: germline.
Comment: This sequence change replaces arginine, which is basic and polar, with histidine, which is basic and polar, at codon 324 of the FAM20C protein (p.Arg324His). This variant is present in population databases (no rsID available, gnomAD 0.006%). This variant has not been reported in the literature in individuals affected with FAM20C-related conditions. ClinVar contains an entry for this variant (Variation ID: 1482568). Advanced modeling of protein sequence and biophysical properties (such as structural, functional, and spatial information, amino acid conservation, physicochemical variation, residue mobility, and thermodynamic stability) performed at Invitae indicates that this missense variant is not expected to disrupt FAM20C protein function. In summary, the available evidence is currently insufficient to determine the role of this variant in disease. Therefore, it has been classified as a Variant of Uncertain Significance.

NM_020223.4(FAM20C):c.971G>A (p.Arg324His)

Gene: FAM20C (FAM20C golgi associated secretory pathway kinase; plus strand). Cytogenetic location: 7p22.3.
Variant type: single nucleotide variant.
Coding change: c.971G>A on transcript NM_020223.4 (MANE Select); coding-DNA position 971, G replaced by A.
Protein change: p.Arg324His; replaces arginine 324 with histidine.
Molecular consequence: missense variant.
Genome position (GRCh38, 1-based): chr7:248,329, G>A. VCF-style: chr7-248329-G-A. GRCh37 (hg19) VCF-style: chr7-288295-G-A.
Other names: c.971G>A (NM_020223.2); short protein forms R324H.
Identifiers: ClinVar variation 1482568 (VCV001482568.5), dbSNP rs972256876, ClinGen allele CA152273654.